The following is an entry in ClinVar:

ClinVar aggregate classification (germline): Likely pathogenic (1 of 4 stars; one submission).

Submission:

Genetics Laboratory, UDIAT-Centre Diagnòstic, Hospital Universitari Parc Tauli
Classification: Likely pathogenic. Last evaluated: 2021-04-26. Review status: criteria provided, single submitter. Criteria: Parc Tauli Hospital Assertion Criteria 2021. Collection method: clinical testing. Allele origin: unknown. Inheritance: X-linked inheritance. Affected: yes. Observed: 1 hemizygote.
Comment: PM2_supporting;PP1_supporting;PP2_supporting;PP3_supporting

NM_004606.5(TAF1):c.4276A>G (p.Met1426Val)

Gene: TAF1 (TATA-box binding protein associated factor 1; plus strand). Cytogenetic location: Xq13.1.
Variant type: single nucleotide variant.
Coding change: c.4276A>G on transcript NM_004606.5 (MANE Select); coding-DNA position 4276, A replaced by G.
Protein change: p.Met1426Val; replaces methionine 1426 with valine.
Molecular consequence: missense variant. On other transcripts: non-coding transcript variant (9).
Genome position (GRCh38, 1-based): chrX:71,408,043, A>G. VCF-style: chrX-71408043-A-G. GRCh37 (hg19) VCF-style: chrX-70627893-A-G.
Other names: c.4276A>G, p.Met1426Val (NM_001286074.2); c.4213A>G, p.Met1405Val (NM_138923.4); short protein forms M1405V, M1426V.
Identifiers: ClinVar variation 1098389 (VCV001098389.2), dbSNP rs2148488085, ClinGen allele CA413537301.